The following is an entry in ClinVar:

NM_001374353.1(GLI2):c.1486G>T (p.Ala496Ser)

Gene: GLI2 (GLI family zinc finger 2; plus strand). Cytogenetic location: 2q14.2.
Variant type: single nucleotide variant.
Coding change: c.1486G>T on transcript NM_001374353.1 (MANE Select); coding-DNA position 1486, G replaced by T.
Protein change: p.Ala496Ser; replaces alanine 496 with serine.
Molecular consequence: missense variant.
Genome position (GRCh38, 1-based): chr2:120,982,734, G>T. VCF-style: chr2-120982734-G-T. GRCh37 (hg19) VCF-style: chr2-121740310-G-T.
Other names: c.1537G>T, p.Ala513Ser (NM_001371271.1, NM_005270.5); c.1111G>T, p.Ala371Ser (NM_001374354.1); c.1537G>T (NM_005270.4); short protein forms A371S, A496S, A513S.
Identifiers: ClinVar variation 1476894 (VCV001476894.9), dbSNP rs774591307, ClinGen allele CA1851947.

ClinVar aggregate classification (germline): Conflicting classifications of pathogenicity. Review status: criteria provided, conflicting classifications (1 of 4 stars). 4 submissions from 4 submitters: Uncertain significance (3); Likely benign (1). Last evaluated 2025-02-16.

Conditions:
Postaxial polydactyly-anterior pituitary anomalies-facial dysmorphism syndrome. Also called: Culler-Jones syndrome. Identifiers: Orphanet 420584, MedGen C4014479, MONDO:0014369, OMIM 615849.
Holoprosencephaly 9 (HPE9). Also called: PITUITARY ANOMALIES WITH HOLOPROSENCEPHALY-LIKE FEATURES; HOLOPROSENCEPHALY WITH MICROPHTHALMIA AND FIRST BRANCHIAL ARCH ANOMALIES. Identifiers: Orphanet 2162, MedGen C1835819, MONDO:0012563, OMIM 610829.
Inborn genetic diseases. Identifiers: MedGen C0950123, MeSH D030342.

Allele frequency attached by ClinVar (database versions not stated): ExAC 0.00001; gnomAD 0.00001; gnomAD exomes 0.00001 and 0.00002; TOPMed 0.00002.
gnomAD v4.1: 24 of 1,613,470 alleles (0.0015%); highest among the groups gnomAD compares: Non-Finnish European, 0.0019%; no homozygotes.

Submissions (4):

Laboratory of Genetics, Children's Clinical University Hospital Latvia
Classification: Likely benign. Last evaluated: 2025-02-16. Review status: criteria provided, single submitter. Criteria: ACMG Guidelines, 2015. Collection method: clinical testing. Allele origin: germline. Affected: yes.

Labcorp Genetics (formerly Invitae), Labcorp
Classification: Uncertain significance for Postaxial polydactyly-anterior pituitary anomalies-facial dysmorphism syndrome; Holoprosencephaly 9. Last evaluated: 2024-11-19. Review status: criteria provided, single submitter. Criteria: Invitae Variant Classification Sherloc (09022015). Collection method: clinical testing. Allele origin: germline.
Comment: This sequence change replaces alanine, which is neutral and non-polar, with serine, which is neutral and polar, at codon 513 of the GLI2 protein (p.Ala513Ser). This variant is present in population databases (rs774591307, gnomAD 0.0009%). This variant has not been reported in the literature in individuals affected with GLI2-related conditions. ClinVar contains an entry for this variant (Variation ID: 1476894). Invitae Evidence Modeling of protein sequence and biophysical properties (such as structural, functional, and spatial information, amino acid conservation, physicochemical variation, residue mobility, and thermodynamic stability) indicates that this missense variant is expected to disrupt GLI2 protein function with a positive predictive value of 80%. In summary, the available evidence is currently insufficient to determine the role of this variant in disease. Therefore, it has been classified as a Variant of Uncertain Significance.

Ambry Genetics
Classification: Uncertain significance for Inborn genetic diseases. Last evaluated: 2024-01-24. Review status: criteria provided, single submitter. Criteria: Ambry Variant Classification Scheme 2023. Collection method: clinical testing. Allele origin: germline.

Blueprint Genetics
Classification: Uncertain significance. Last evaluated: 2023-07-27. Review status: criteria provided, single submitter. Criteria: ACMG Guidelines, 2015. Collection method: clinical testing. Allele origin: germline.